The following is an entry in ClinVar:

NM_024408.4(NOTCH2):c.6957G>A (p.Ala2319=)

Gene: NOTCH2 (notch receptor 2; minus strand). Cytogenetic location: 1p12.
Variant type: single nucleotide variant.
Coding change: c.6957G>A on transcript NM_024408.4 (MANE Select); coding-DNA position 6957, G replaced by A.
Protein change: p.Ala2319=; no amino-acid change (alanine 2319 retained).
Molecular consequence: synonymous variant.
Genome position (GRCh38, 1-based): chr1:119,915,765, C>T on the plus strand (G>A on the coding strand, the complement: NOTCH2 is on the minus strand). VCF-style: chr1-119915765-C-T. GRCh37 (hg19) VCF-style: chr1-120458388-C-T.
Other names: c.6957G>A (NM_024408.3).
Identifiers: ClinVar variation 498688 (VCV000498688.39), dbSNP rs369891453, ClinGen allele CA1039349.

ClinVar aggregate classification (germline): Conflicting classifications of pathogenicity. Review status: criteria provided, conflicting classifications (1 of 4 stars). 5 submissions from 5 submitters: Uncertain significance (1); Likely benign (3). 1 of the submissions does not count toward it. Last evaluated 2025-10-30.

Conditions:
NOTCH2-related disorder. Also called: NOTCH2-related condition.
Hajdu-Cheney syndrome (HJCYS). Also called: Acroosteolysis dominant type; SERPENTINE FIBULA-POLYCYSTIC KIDNEY SYNDROME; ACROOSTEOLYSIS WITH OSTEOPOROSIS AND CHANGES IN SKULL AND MANDIBLE. Identifiers: Orphanet 955, MedGen C0917715, MONDO:0007057, OMIM 102500.

Allele frequency attached by ClinVar (database versions not stated): gnomAD exomes 0.00010; gnomAD 0.00011; ESP Exome Variant Server 0.00015; TOPMed 0.00016; ExAC 0.00008.
gnomAD v4.1: 159 of 1,607,988 alleles (0.0099%); highest among the groups gnomAD compares: East Asian, 0.025%; no homozygotes.

Submissions (5):

Labcorp Genetics (formerly Invitae), Labcorp
Classification: Likely benign for Hajdu-Cheney syndrome. Last evaluated: 2025-10-30. Review status: criteria provided, single submitter. Criteria: Invitae Variant Classification Sherloc (09022015). Collection method: clinical testing. Allele origin: germline.

Blueprint Genetics
Classification: Likely benign. Last evaluated: 2024-08-27. Review status: criteria provided, single submitter. Criteria: ACMG Guidelines, 2015. Collection method: clinical testing. Allele origin: germline.

CeGaT Center for Human Genetics Tuebingen
Classification: Likely benign. Last evaluated: 2023-06-01. Review status: criteria provided, single submitter. Criteria: CeGaT Center For Human Genetics Tuebingen Variant Classification Criteria Version 2. Collection method: clinical testing. Allele origin: germline. Affected: yes. Observed: 1 variant allele.
Comment: NOTCH2: BP4, BP7

Eurofins Ntd Llc (ga)
Classification: Uncertain significance. Last evaluated: 2018-08-23. Review status: criteria provided, single submitter. Criteria: EGL ClinVar v180209 classification definitions. Collection method: clinical testing. Allele origin: germline. Observed: 2 variant alleles, 2 heterozygotes.

PreventionGenetics, part of Exact Sciences
Classification: Likely benign for NOTCH2-related condition. Last evaluated: 2021-12-17. Review status: no assertion criteria provided. Collection method: clinical testing. Allele origin: germline. Not counted in ClinVar's aggregate classification.
Comment: This variant is classified as likely benign based on ACMG/AMP sequence variant interpretation guidelines (Richards et al. 2015 PMID: 25741868, with internal and published modifications).